The following is an entry in ClinVar:

NM_001354604.2(MITF):c.917T>C (p.Leu306Pro)

Gene: MITF (melanocyte inducing transcription factor; plus strand). Cytogenetic location: 3p13.
Variant type: single nucleotide variant.
Coding change: c.917T>C on transcript NM_001354604.2 (MANE Select); coding-DNA position 917, T replaced by C.
Protein change: p.Leu306Pro; replaces leucine 306 with proline.
Molecular consequence: missense variant.
Genome position (GRCh38, 1-based): chr3:69,951,848, T>C. VCF-style: chr3-69951848-T-C. GRCh37 (hg19) VCF-style: chr3-70000999-T-C.
Other names: c.596T>C, p.Leu199Pro (NM_000248.4); c.743T>C, p.Leu248Pro (NM_001184967.2, NM_001354608.2); c.914T>C, p.Leu305Pro (NM_001354605.2); c.896T>C, p.Leu299Pro (NM_001354606.2, NM_006722.3); c.848T>C, p.Leu283Pro (NM_001354607.2); c.578T>C, p.Leu193Pro (NM_198158.3); c.899T>C, p.Leu300Pro (NM_198159.3); c.851T>C, p.Leu284Pro (NM_198177.3); and 1 more; short protein forms L137P, L193P, L199P, L248P, L283P, L284P, L299P, L300P.
Identifiers: ClinVar variation 3600686 (VCV003600686.1).

ClinVar aggregate classification (germline): Uncertain significance (1 of 4 stars; one submission).

Submission:

GeneDx
Classification: Uncertain significance. Last evaluated: 2024-07-23. Review status: criteria provided, single submitter. Criteria: GeneDx Variant Classification Process June 2021. Collection method: clinical testing. Allele origin: germline. Affected: yes.
Comment: Not observed at significant frequency in large population cohorts (gnomAD); In silico analysis supports that this missense variant has a deleterious effect on protein structure/function; Has not been previously published as pathogenic or benign to our knowledge